The following is an entry in ClinVar:

NM_013275.6(ANKRD11):c.6253_6254insACAC (p.Cys2085fs)

Gene: ANKRD11 (ankyrin repeat domain 11; minus strand). Cytogenetic location: 16q24.3.
Variant type: Insertion.
Coding change: c.6253_6254insACAC on transcript NM_013275.6 (MANE Select); coding-DNA positions 6253 to 6254, ACAC inserted.
Protein change: p.Cys2085fs; shifts the reading frame from cysteine 2085.
Molecular consequence: frameshift variant.
Genome position: GRCh38 VCF-style: chr16-89280288-C-CGTGT. GRCh37 (hg19) VCF-style: chr16-89346696-C-CGTGT.
Other names: c.6253_6254insACAC, p.Cys2085fs (NM_001256182.2, NM_001256183.2); short protein forms C2085fs.
Identifiers: ClinVar variation 3066200 (VCV003066200.1), dbSNP rs2544223241, ClinGen allele CA2740097910.

ClinVar aggregate classification (germline): Likely pathogenic (1 of 4 stars; one submission).

Conditions:
KBG syndrome (KBGS). Also called: ANKRD11-Related KBG Syndrome. Identifiers: Orphanet 2332, MedGen C0220687, MONDO:0007846, OMIM 148050.

Submission:

MVZ Medizinische Genetik Mainz
Classification: Likely pathogenic for KBG syndrome. Last evaluated: 2022-05-13. Review status: criteria provided, single submitter. Criteria: UK Practice Guidelines For Variant Classification V4 01 2020. Collection method: clinical testing. Allele origin: germline. Inheritance: Autosomal dominant inheritance. Affected: yes. Observed: 1 variant allele.
Comment: ACMG Criteria: PVS1,PM2_SUP